The following is an entry in ClinVar:

NM_001199107.2(TBC1D24):c.1526-3C>T

Gene: TBC1D24 (TBC1 domain family member 24; plus strand). Cytogenetic location: 16p13.3.
Variant type: single nucleotide variant.
Coding change: c.1526-3C>T on transcript NM_001199107.2 (MANE Select); 3 bases into the intron before coding-DNA position 1526, C replaced by T.
Molecular consequence: intron variant.
Genome position (GRCh38, 1-based): chr16:2,500,801, C>T. VCF-style: chr16-2500801-C-T. GRCh37 (hg19) VCF-style: chr16-2550802-C-T.
Other names: c.1508-3C>T (NM_020705.3).
Identifiers: ClinVar variation 1052358 (VCV001052358.9), dbSNP rs752385354, ClinGen allele CA7844333.

ClinVar aggregate classification (germline): Uncertain significance (1 of 4 stars; one submission).

Conditions:
Developmental and epileptic encephalopathy, 1 (DEE1). Also called: X-linked infantile spasms; West's syndrome; Tonic spasms with clustering, arrest of psychomotor development and hypsarrhythmia on EEG; X-Linked Infantile Spasm Syndrome; OHTAHARA SYNDROME, X-LINKED; Epileptic encephalopathy, early infantile, 1. Identifiers: MedGen C3463992, MONDO:0010632, OMIM 308350. Disease mechanism: loss of function.
Autosomal dominant nonsyndromic hearing loss 65. Also called: Deafness, autosomal dominant 65; TBC1D24-Related Autosomal Dominant Nonsyndromic Hearing Loss (DFNA). Identifiers: Orphanet 90635, MedGen C3892048, MONDO:0014470, OMIM 616044.

Allele frequency attached by ClinVar (database versions not stated): TOPMed below 0.00001; ExAC 0.00001; gnomAD exomes below 0.00001 and 0.00002; gnomAD 0.00001.
gnomAD v4.1: 33 of 1,602,412 alleles (0.0021%); highest among the groups gnomAD compares: Non-Finnish European, 0.0028%; no homozygotes.

Submission:

Labcorp Genetics (formerly Invitae), Labcorp
Classification: Uncertain significance for Developmental and epileptic encephalopathy, 1; Autosomal dominant nonsyndromic hearing loss 65. Last evaluated: 2025-10-13. Review status: criteria provided, single submitter. Criteria: Invitae Variant Classification Sherloc (09022015). Collection method: clinical testing. Allele origin: germline.
Comment: This sequence change falls in intron 7 of the TBC1D24 gene. It does not directly change the encoded amino acid sequence of the TBC1D24 protein. It affects a nucleotide within the consensus splice site. The frequency data for this variant in the population databases is considered unreliable, as metrics indicate poor data quality at this position in the gnomAD database. This variant has not been reported in the literature in individuals affected with TBC1D24-related conditions. ClinVar contains an entry for this variant (Variation ID: 1052358). Variants that disrupt the consensus splice site are a relatively common cause of aberrant splicing (PMID: 17576681, 9536098). Algorithms developed to predict the effect of sequence changes on RNA splicing suggest that this variant is not likely to affect RNA splicing. In summary, the available evidence is currently insufficient to determine the role of this variant in disease. Therefore, it has been classified as a Variant of Uncertain Significance.

Literature cited by the submitters: PubMed 17576681; PubMed 9536098.